The following is an entry in ClinVar:

ClinVar aggregate classification (germline): Uncertain significance (1 of 4 stars; one submission).

Conditions:
Pitt-Hopkins syndrome (PTHS). Also called: ENCEPHALOPATHY, SEVERE EPILEPTIC, WITH AUTONOMIC DYSFUNCTION; MENTAL RETARDATION, SYNDROMAL, WITH INTERMITTENT HYPERVENTILATION. Identifiers: Orphanet 2896, MedGen C1970431, MONDO:0012589, OMIM 610954.

Submission:

Labcorp Genetics (formerly Invitae), Labcorp
Classification: Uncertain significance for Pitt-Hopkins syndrome. Last evaluated: 2022-06-04. Review status: criteria provided, single submitter. Criteria: Invitae Variant Classification Sherloc (09022015). Collection method: clinical testing. Allele origin: germline.
Comment: This variant is not present in population databases (gnomAD no frequency). In summary, the available evidence is currently insufficient to determine the role of this variant in disease. Therefore, it has been classified as a Variant of Uncertain Significance. Algorithms developed to predict the effect of missense changes on protein structure and function (SIFT, PolyPhen-2, Align-GVGD) all suggest that this variant is likely to be tolerated. ClinVar contains an entry for this variant (Variation ID: 1422346). This variant has not been reported in the literature in individuals affected with TCF4-related conditions. This sequence change replaces arginine, which is basic and polar, with lysine, which is basic and polar, at codon 159 of the TCF4 protein (p.Arg159Lys).

NM_001083962.2(TCF4):c.476G>A (p.Arg159Lys)

Gene: TCF4 (transcription factor 4; minus strand). Cytogenetic location: 18q21.2.
Variant type: single nucleotide variant.
Coding change: c.476G>A on transcript NM_001083962.2 (MANE Select); coding-DNA position 476, G replaced by A.
Protein change: p.Arg159Lys; replaces arginine 159 with lysine.
Molecular consequence: missense variant.
Genome position (GRCh38, 1-based): chr18:55,350,897, C>T on the plus strand (G>A on the coding strand, the complement: TCF4 is on the minus strand). VCF-style: chr18-55350897-C-T. GRCh37 (hg19) VCF-style: chr18-53018128-C-T.
Other names: c.782G>A, p.Arg261Lys (NM_001243226.3); c.404G>A, p.Arg135Lys (NM_001243227.2, NM_001306207.1, NM_001348217.1 and 9 more transcripts); c.476G>A, p.Arg159Lys (NM_001243228.2, NM_001330604.3, NM_001369567.1 and 5 more transcripts); c.470G>A, p.Arg157Lys (NM_001243230.2); c.350G>A, p.Arg117Lys (NM_001243231.2, NM_001348211.2); c.263G>A, p.Arg88Lys (NM_001243232.1, NM_001306208.1); c.86G>A, p.Arg29Lys (NM_001243233.2, NM_001330605.3, NM_001348212.2 and 1 more transcripts); c.401G>A, p.Arg134Lys (NM_001348220.1, NM_001369584.1, NM_001369585.1 and 3 more transcripts); and 1 more; short protein forms R117K, R261K, R29K, R157K, R158K, R134K, R135K, R159K.
Identifiers: ClinVar variation 1422346 (VCV001422346.6), dbSNP rs2144785394, ClinGen allele CA402702497.